The following is an entry in ClinVar:

NM_177438.3(DICER1):c.3557A>T (p.Asn1186Ile)

Gene: DICER1 (dicer 1, ribonuclease III; minus strand). Cytogenetic location: 14q32.13.
Variant type: single nucleotide variant.
Coding change: c.3557A>T on transcript NM_177438.3 (MANE Select); coding-DNA position 3557, A replaced by T.
Protein change: p.Asn1186Ile; replaces asparagine 1186 with isoleucine.
Molecular consequence: missense variant.
Genome position (GRCh38, 1-based): chr14:95,103,839, T>A on the plus strand (A>T on the coding strand, the complement: DICER1 is on the minus strand). VCF-style: chr14-95103839-T-A. GRCh37 (hg19) VCF-style: chr14-95570176-T-A.
Other names: c.3557A>T, p.Asn1186Ile (NM_001195573.1, NM_001271282.3, NM_001291628.2 and 1 more transcripts); short protein forms N1186I.
Identifiers: ClinVar variation 649150 (VCV000649150.15), dbSNP rs201523588, ClinGen allele CA7331026.
Genomic context (GRCh38, chr14:95,103,839, plus strand): 5'-TTGTAGTAATTTAGCTGATTTCCTTGGCAAAAGTCTCTGTTAGCTAAATCATAACTGCCA[T>A]TGGCGAGATTTTGATTGTAAGAAAGACCATTAATTGCTGTAAGATCTGCTGAAACTTCAA-3'
Protein context (NP_803187.1, residues 1176-1196): NGLSYNQNLA[Asn1186Ile]GSYDLANRDF

ClinVar aggregate classification (germline): Uncertain significance. Review status: criteria provided, multiple submitters, no conflicts (2 of 4 stars). 4 submissions from 4 submitters: Uncertain significance (4). Last evaluated 2025-11-05.

Conditions:
DICER1-related tumor predisposition. Also called: DICER1-related pleuropulmonary blastoma cancer predisposition syndrome; DICER1 syndrome. Identifiers: Orphanet 284343, MedGen C3839822, MONDO:0100216.
Hereditary cancer-predisposing syndrome. Also called: Hereditary Cancer Syndrome; Tumor predisposition; Neoplastic Syndromes, Hereditary; Hereditary neoplastic syndrome. Identifiers: Orphanet 140162, MedGen C0027672, MeSH D009386, MONDO:0015356.

Allele frequency attached by ClinVar (database versions not stated): gnomAD exomes 0.00001; ExAC 0.00002; 1000 Genomes Project 30x 0.00016; 1000 Genomes Project 0.00020.
gnomAD v4.1: 9 of 1,614,212 alleles (0.00056%); highest among the groups gnomAD compares: African/African-American, 0.0013%; no homozygotes.

Submissions (4):

Labcorp Genetics (formerly Invitae), Labcorp
Classification: Uncertain significance for DICER1-related tumor predisposition. Last evaluated: 2025-11-05. Review status: criteria provided, single submitter. Criteria: Invitae Variant Classification Sherloc (09022015). Collection method: clinical testing. Allele origin: germline.
Comment: This sequence change replaces asparagine, which is neutral and polar, with isoleucine, which is neutral and non-polar, at codon 1186 of the DICER1 protein (p.Asn1186Ile). This variant is present in population databases (rs201523588, gnomAD 0.002%). This variant has not been reported in the literature in individuals affected with DICER1-related conditions. ClinVar contains an entry for this variant (Variation ID: 649150). Invitae Evidence Modeling of protein sequence and biophysical properties (such as structural, functional, and spatial information, amino acid conservation, physicochemical variation, residue mobility, and thermodynamic stability) indicates that this missense variant is not expected to disrupt DICER1 protein function with a negative predictive value of 95%. In summary, the available evidence is currently insufficient to determine the role of this variant in disease. Therefore, it has been classified as a Variant of Uncertain Significance.

GeneDx
Classification: Uncertain significance. Last evaluated: 2024-11-05. Review status: criteria provided, single submitter. Criteria: GeneDx Variant Classification Process June 2021. Collection method: clinical testing. Allele origin: germline. Affected: yes.
Comment: Not observed at significant frequency in large population cohorts (gnomAD); In silico analysis indicates that this missense variant does not alter protein structure/function; Has not been previously published as pathogenic or benign to our knowledge

Ambry Genetics
Classification: Uncertain significance for Hereditary cancer-predisposing syndrome. Last evaluated: 2024-03-20. Review status: criteria provided, single submitter. Criteria: Ambry Variant Classification Scheme 2023. Collection method: clinical testing. Allele origin: germline.
Comment: The p.N1186I variant (also known as c.3557A>T), located in coding exon 20 of the DICER1 gene, results from an A to T substitution at nucleotide position 3557. The asparagine at codon 1186 is replaced by isoleucine, an amino acid with dissimilar properties. This amino acid position is well conserved in available vertebrate species. In addition, the in silico prediction for this alteration is inconclusive. Since supporting evidence is limited at this time, the clinical significance of this alteration remains unclear.

Quest Diagnostics Nichols Institute San Juan Capistrano
Classification: Uncertain significance. Last evaluated: 2023-06-28. Review status: criteria provided, single submitter. Criteria: Quest Diagnostics criteria. Collection method: clinical testing. Allele origin: unknown.
Comment: This variant has not been reported in the published literature. The frequency of this variant in the general population, 0.000023 (3/129124 chromosomes (Genome Aggregation Database)), is uninformative in the assessment of its pathogenicity. Analysis of this variant using bioinformatics tools for the prediction of the effect of amino acid changes on protein structure and function yielded conflicting predictions that this variant is benign or damaging. Based on the available information, we are unable to determine the clinical significance of this variant.